The following is an entry in ClinVar:

TERT:c.1710G>Y (p.Lys570Asn)

Gene: TERT (telomerase reverse transcriptase; minus strand). Cytogenetic location: 5p15.33.
Variant type: single nucleotide variant.
Molecular consequence: missense variant (on NM_198253.3). On other transcripts: non-coding transcript variant (2).
Other names: NM_198253.2:c.1710(G>T;G>C); c.1710G>Y, p.Lys570Asn (NM_001193376.3, NM_198253.3); short protein forms K570N.
Identifiers: ClinVar variation 39103 (VCV000039103.3), dbSNP rs1554041299.

ClinVar aggregate classification (germline): Pathogenic (0 of 4 stars; one submission).

Conditions:
Dyskeratosis congenita, autosomal dominant 1 (DKCA1). Also called: Dyskeratosis congenita Scoggins type. Identifiers: Orphanet 1775, MedGen C4551974, MONDO:0007485, OMIM 127550. Inheritance: Variable.

Submission:

GeneReviews
Classification: Pathogenic for Dyskeratosis Congenita. Last evaluated: 2012-05-10. Review status: no assertion criteria provided. Collection method: curation. Allele origin: unknown.
ClinVar note: Converted during submission from pathologic to Pathogenic.